The following is an entry in ClinVar:

NM_000051.4(ATM):c.8091T>C (p.Asn2697=)

Genes: ATM (ATM serine/threonine kinase; plus strand), C11orf65 (chromosome 11 open reading frame 65; minus strand). Cytogenetic location: 11q22.3.
Variant type: single nucleotide variant.
Coding change: c.8091T>C on transcript NM_000051.4 (MANE Select); coding-DNA position 8091, T replaced by C.
Protein change: p.Asn2697=; no amino-acid change (asparagine 2697 retained).
Molecular consequence: synonymous variant. On other transcripts: intron variant (2).
Genome position (GRCh38, 1-based): chr11:108,335,049, T>C. VCF-style: chr11-108335049-T-C. GRCh37 (hg19) VCF-style: chr11-108205776-T-C.
Other names: c.8091T>C, p.Asn2697= (NM_001351834.2); c.641-25978A>G (NM_001330368.2); c.*38+171A>G (NM_001351110.2).
Identifiers: ClinVar variation 490725 (VCV000490725.16), dbSNP rs756887364, ClinGen allele CA6266271.
Genomic context (GRCh38, chr11:108,335,049, plus strand): 5'-TGGAAATCTGGTGACTATACAGTCATTTAAAGCAGAATTTCGCTTAGCAGGAGGTGTAAA[T>C]TTACCAAAAATAATAGATTGTGTAGGTTCCGATGGCAAGGAGAGGAGACAGCTTGTTAAG-3'
Protein context (NP_000042.3, residues 2687-2707): KAEFRLAGGV[Asn2697=]LPKIIDCVGS

ClinVar aggregate classification (germline): Benign/Likely benign. Review status: criteria provided, multiple submitters, no conflicts (2 of 4 stars). 5 submissions from 5 submitters: Benign (1); Likely benign (4). Last evaluated 2025-10-06.

Conditions:
Hereditary cancer-predisposing syndrome. Also called: Hereditary Cancer Syndrome; Neoplastic Syndromes, Hereditary; Tumor predisposition; Hereditary neoplastic syndrome. Identifiers: Orphanet 140162, MedGen C0027672, MeSH D009386, MONDO:0015356.
Familial cancer of breast. Also called: BREAST CANCER, FAMILIAL; Hereditary breast cancer; hereditary breast carcinoma. Identifiers: Orphanet 227535, MedGen C0346153, MONDO:0016419, OMIM 114480. Disease mechanism: loss of function.
Ataxia-telangiectasia syndrome (AT). Also called: Cerebello-oculocutaneous telangiectasia; Immunodeficiency with ataxia telangiectasia; Ataxia-telangiectasia, complementation group E; Ataxia-telangiectasia, complementation group D; AT, COMPLEMENTATION GROUP C; ATAXIA-TELANGIECTASIA, COMPLEMENTATION GROUP A. Identifiers: Orphanet 100, MedGen C0004135, MONDO:0008840, OMIM 208900.

Allele frequency attached by ClinVar (database versions not stated): gnomAD below 0.00001 and 0.00001; TOPMed below 0.00001; ExAC 0.00002; gnomAD exomes 0.00001.
gnomAD v4.1: 15 of 1,613,966 alleles (0.00093%); highest among the groups gnomAD compares: South Asian, 0.016%; no homozygotes.

Submissions (5):

Labcorp Genetics (formerly Invitae), Labcorp
Classification: Likely benign for Ataxia-telangiectasia syndrome. Last evaluated: 2025-10-06. Review status: criteria provided, single submitter. Criteria: Invitae Variant Classification Sherloc (09022015). Collection method: clinical testing. Allele origin: germline.

Myriad Genetics, Inc.
Classification: Benign for Familial cancer of breast. Last evaluated: 2024-06-18. Review status: criteria provided, single submitter. Criteria: Myriad Autosomal Dominant, Autosomal Recessive and X-Linked Classification Criteria (2023). Collection method: clinical testing. Allele origin: unknown.
Comment: This variant is considered benign. This variant is a silent/synonymous amino acid change and it is not expected to impact splicing.

Ambry Genetics
Classification: Likely benign for Hereditary cancer-predisposing syndrome. Last evaluated: 2022-09-11. Review status: criteria provided, single submitter. Criteria: Ambry Variant Classification Scheme 2023. Collection method: clinical testing. Allele origin: germline.

Blueprint Genetics
Classification: Likely benign. Last evaluated: 2021-02-02. Review status: criteria provided, single submitter. Criteria: ACMG Guidelines, 2015. Collection method: clinical testing. Allele origin: germline.

Color Diagnostics, LLC DBA Color Health
Classification: Likely benign for Hereditary cancer-predisposing syndrome. Last evaluated: 2017-04-13. Review status: criteria provided, single submitter. Criteria: ACMG Guidelines, 2015. Collection method: clinical testing. Allele origin: germline.